The following is an entry in ClinVar:

NM_001330260.2(SCN8A):c.842G>A (p.Cys281Tyr)

Gene: SCN8A (sodium voltage-gated channel alpha subunit 8; plus strand). Cytogenetic location: 12q13.13.
Variant type: single nucleotide variant.
Coding change: c.842G>A on transcript NM_001330260.2 (MANE Select); coding-DNA position 842, G replaced by A.
Protein change: p.Cys281Tyr; replaces cysteine 281 with tyrosine.
Molecular consequence: missense variant.
Genome position (GRCh38, 1-based): chr12:51,699,705, G>A. VCF-style: chr12-51699705-G-A. GRCh37 (hg19) VCF-style: chr12-52093489-G-A.
Other names: c.842G>A, p.Cys281Tyr (NM_001177984.3, NM_001369788.1, NM_014191.4); short protein forms C281Y.
Identifiers: ClinVar variation 3393446 (VCV003393446.2).

ClinVar aggregate classification (germline): Likely pathogenic (1 of 4 stars; one submission).

Conditions:
Cognitive impairment with or without cerebellar ataxia (CIAT). Identifiers: MedGen C3280415, MONDO:0013680, OMIM 614306.

Submission:

Molecular Genetics Laboratory, Motol Hospital
Classification: Likely pathogenic for Cognitive impairment with or without cerebellar ataxia. Last evaluated: 2024-12-27. Review status: criteria provided, single submitter. Criteria: ACMG Guidelines, 2015. Collection method: clinical testing. Allele origin: de novo. Affected: yes. Observed: 1 variant allele.
Comment: The variant was found to be of a de novo origin. Rare de novo missense variants affecting the SCN8A gene are documented as a molecular cause of "cognitive impairment with or without cerebellar ataxia" (CIAT; OMIM:614306; PMID:31904118;28702509). To conclude, the variant is classified as likely pathogenic (ACMG PP3, PP2, PM2, PS2).

Literature cited by the submitters: PubMed 31904118; PubMed 28702509.